The following is an entry in ClinVar:

ClinVar aggregate classification (germline): Uncertain significance (0 of 4 stars; one submission).

Conditions:
RPGRIP1L-related disorder. Also called: RPGRIP1L-related condition; RPGRIP1L-related disorders. Identifiers: MedGen CN239416.

gnomAD v4.1: 15 of 1,593,158 alleles (0.00094%); highest among the groups gnomAD compares: African/African-American, 0.0027%; no homozygotes.

Submission:

PreventionGenetics, part of Exact Sciences
Classification: Uncertain significance for RPGRIP1L-related condition. Last evaluated: 2024-06-06. Review status: no assertion criteria provided. Collection method: clinical testing. Allele origin: germline.
Comment: The RPGRIP1L c.626G>A variant is predicted to result in the amino acid substitution p.Arg209Lys. To our knowledge, this variant has not been reported in the literature. This variant is reported in 0.023% of alleles in individuals of African descent in gnomAD. At this time, the clinical significance of this variant is uncertain due to the absence of conclusive functional and genetic evidence.

NM_015272.5(RPGRIP1L):c.626G>A (p.Arg209Lys)

Gene: RPGRIP1L (RPGRIP1 like; minus strand). Cytogenetic location: 16q12.2.
Variant type: single nucleotide variant.
Coding change: c.626G>A on transcript NM_015272.5 (MANE Select); coding-DNA position 626, G replaced by A.
Protein change: p.Arg209Lys; replaces arginine 209 with lysine.
Molecular consequence: missense variant.
Genome position (GRCh38, 1-based): chr16:53,687,869, C>T on the plus strand (G>A on the coding strand, the complement: RPGRIP1L is on the minus strand). VCF-style: chr16-53687869-C-T. GRCh37 (hg19) VCF-style: chr16-53721781-C-T.
Other names: c.626G>A, p.Arg209Lys (NM_001127897.4, NM_001308334.3, NM_001330538.2); short protein forms R209K.
Identifiers: ClinVar variation 3351416 (VCV003351416.1).